The following is an entry in ClinVar:

NM_004082.5(DCTN1):c.3212-6C>A

Gene: DCTN1 (dynactin subunit 1; minus strand). Cytogenetic location: 2p13.1.
Variant type: single nucleotide variant.
Coding change: c.3212-6C>A on transcript NM_004082.5 (MANE Select); 6 bases into the intron before coding-DNA position 3212, C replaced by A.
Molecular consequence: intron variant.
Genome position (GRCh38, 1-based): chr2:74,363,433, G>T on the plus strand (C>A on the coding strand, the complement: DCTN1 is on the minus strand). VCF-style: chr2-74363433-G-T. GRCh37 (hg19) VCF-style: chr2-74590560-G-T.
Other names: c.3212-6C>A (NM_004082.4); c.3086-6C>A (NM_001190836.2); c.3143-6C>A (NM_001378992.1); c.3161-6C>A (NM_001378991.1); c.3137-6C>A (NM_001135040.3); c.3191-6C>A (NM_001190837.2); c.2795-6C>A (NM_001135041.3); c.2810-6C>A (NM_023019.4).
Identifiers: ClinVar variation 1502474 (VCV001502474.10), dbSNP rs750104562, ClinGen allele CA1721544.

ClinVar aggregate classification (germline): Conflicting classifications of pathogenicity. Review status: criteria provided, conflicting classifications (1 of 4 stars). 3 submissions from 3 submitters: Uncertain significance (1); Likely benign (1). 1 of the submissions does not count toward it. Last evaluated 2024-10-28.

Conditions:
Amyotrophic lateral sclerosis type 1 (ALS1). Also called: AMYOTROPHIC LATERAL SCLEROSIS 1, FAMILIAL. Identifiers: Orphanet 803, MedGen C1862939, MONDO:0007103, OMIM 105400.
Neuronopathy, distal hereditary motor, type 7B. Also called: NEURONOPATHY, DISTAL HEREDITARY MOTOR, AUTOSOMAL DOMINANT 14; NEURONOPATHY, DISTAL HEREDITARY MOTOR, HARDING TYPE VIIB; NEUROPATHY, DISTAL HEREDITARY MOTOR, HARDING TYPE VIIB; NEUROPATHY, DISTAL HEREDITARY MOTOR, WITH VOCAL CORD PARALYSIS, HARDING TYPE VIIB; HMN VIIB; LOWER MOTOR NEURON DISEASE, DYNACTIN TYPE. Identifiers: Orphanet 139589, MedGen C1843315, MONDO:0011879, OMIM 607641.
Perry syndrome. Also called: PARKINSONISM WITH ALVEOLAR HYPOVENTILATION AND MENTAL DEPRESSION. Identifiers: Orphanet 178509, MedGen C1868594, MONDO:0008201, OMIM 168605.
DCTN1-related disorder. Also called: DCTN1-related condition.

Allele frequency attached by ClinVar (database versions not stated): TOPMed below 0.00001; gnomAD 0.00001; gnomAD exomes 0.00002 and 0.00004; ExAC 0.00004.
gnomAD v4.1: 26 of 1,611,680 alleles (0.0016%); highest among the groups gnomAD compares: South Asian, 0.026%; no homozygotes.

Submissions (3):

Blueprint Genetics
Classification: Uncertain significance. Last evaluated: 2024-10-28. Review status: criteria provided, single submitter. Criteria: ACMG Guidelines, 2015. Collection method: clinical testing. Allele origin: germline.

Labcorp Genetics (formerly Invitae), Labcorp
Classification: Likely benign for Amyotrophic lateral sclerosis type 1; Neuronopathy, distal hereditary motor, type 7B; Perry syndrome. Last evaluated: 2023-04-24. Review status: criteria provided, single submitter. Criteria: Invitae Variant Classification Sherloc (09022015). Collection method: clinical testing. Allele origin: germline.

PreventionGenetics, part of Exact Sciences
Classification: Uncertain significance for DCTN1-related condition. Last evaluated: 2023-12-21. Review status: no assertion criteria provided. Collection method: clinical testing. Allele origin: germline. Not counted in ClinVar's aggregate classification.
Comment: The DCTN1 c.3212-6C>A variant is predicted to interfere with splicing. To our knowledge, this variant has not been reported in the literature. This variant is reported in 0.030% of alleles in individuals of South Asian descent in gnomAD. At this time, the clinical significance of this variant is uncertain due to the absence of conclusive functional and genetic evidence.